The following is an entry in ClinVar:

NM_006612.6(KIF1C):c.18G>A (p.Val6=)

Gene: KIF1C (kinesin family member 1C; plus strand). Cytogenetic location: 17p13.2.
Variant type: single nucleotide variant.
Coding change: c.18G>A on transcript NM_006612.6 (MANE Select); coding-DNA position 18, G replaced by A.
Protein change: p.Val6=; no amino-acid change (valine 6 retained).
Molecular consequence: synonymous variant.
Genome position (GRCh38, 1-based): chr17:5,000,264, G>A. VCF-style: chr17-5000264-G-A. GRCh37 (hg19) VCF-style: chr17-4903559-G-A.
Identifiers: ClinVar variation 468851 (VCV000468851.49), dbSNP rs148361794, ClinGen allele CA8318421.

ClinVar aggregate classification (germline): Conflicting classifications of pathogenicity. Review status: criteria provided, conflicting classifications (1 of 4 stars). 4 submissions from 4 submitters: Uncertain significance (1); Likely benign (3). Last evaluated 2025-10-02.

Conditions:
Spastic ataxia 2. Also called: Ataxia, spastic, 2, autosomal recessive. Identifiers: Orphanet 397946, MedGen C1969796, MONDO:0012651, OMIM 611302.
Hereditary spastic paraplegia. Also called: Familial spastic paraparesis. Identifiers: Orphanet 685, MedGen C0037773, MONDO:0019064. Disease mechanism: loss of function.

Allele frequency attached by ClinVar (database versions not stated): 1000 Genomes Project 30x 0.00016; gnomAD 0.00022; gnomAD exomes 0.00033 and 0.00046; TOPMed 0.00033; ESP Exome Variant Server 0.00046; ExAC 0.00054.
gnomAD v4.1: 698 of 1,577,428 alleles (0.044%); highest among the groups gnomAD compares: Non-Finnish European, 0.057%; no homozygotes.

Submissions (4):

Labcorp Genetics (formerly Invitae), Labcorp
Classification: Likely benign for Spastic ataxia 2. Last evaluated: 2025-10-02. Review status: criteria provided, single submitter. Criteria: Invitae Variant Classification Sherloc (09022015). Collection method: clinical testing. Allele origin: germline.

CeGaT Center for Human Genetics Tuebingen
Classification: Likely benign. Last evaluated: 2025-10-01. Review status: criteria provided, single submitter. Criteria: CeGaT Center For Human Genetics Tuebingen Variant Classification Criteria Version 2. Collection method: clinical testing. Allele origin: germline. Affected: yes. Observed: 3 variant alleles.
Comment: KIF1C: BP4

Genome Diagnostics Laboratory, The Hospital for Sick Children
Classification: Uncertain significance for Hereditary spastic paraplegia. Last evaluated: 2018-11-01. Review status: criteria provided, single submitter. Criteria: ACMG Guidelines, 2015. Collection method: clinical testing. Allele origin: germline. Affected: yes.

GeneDx
Classification: Likely benign. Last evaluated: 2018-05-08. Review status: criteria provided, single submitter. Criteria: GeneDx Variant Classification (06012015). Collection method: clinical testing. Allele origin: germline. Affected: yes.
Comment: This variant is considered likely benign or benign based on one or more of the following criteria: it is a conservative change, it occurs at a poorly conserved position in the protein, it is predicted to be benign by multiple in silico algorithms, and/or has population frequency not consistent with disease.